The following is an entry in ClinVar:

NM_006231.4(POLE):c.508A>G (p.Ile170Val)

Gene: POLE (DNA polymerase epsilon, catalytic subunit; minus strand). Cytogenetic location: 12q24.33.
Variant type: single nucleotide variant.
Coding change: c.508A>G on transcript NM_006231.4 (MANE Select); coding-DNA position 508, A replaced by G.
Protein change: p.Ile170Val; replaces isoleucine 170 with valine.
Molecular consequence: missense variant.
Genome position (GRCh38, 1-based): chr12:132,679,567, T>C on the plus strand (A>G on the coding strand, the complement: POLE is on the minus strand). VCF-style: chr12-132679567-T-C. GRCh37 (hg19) VCF-style: chr12-133256153-T-C.
Other names: short protein forms I170V.
Identifiers: ClinVar variation 3308369 (VCV003308369.3).
Genomic context (GRCh38, chr12:132,679,567, plus strand): 5'-GAGCTGTGTACGCGTCGCTGGCGTGATCCTGCTCCCTGTTCTTCTTCACGGCAGGGGAGA[T>C]CTCCTTCCTCACTTTGACAAGATCCTCCACAGTGTGGAAGGACAGCCTGATGTAATTTCG-3'
Protein context (NP_006222.2, residues 160-180): VEDLVKVRKE[Ile170Val]SPAVKKNREQ

ClinVar aggregate classification (germline): Uncertain significance. Review status: criteria provided, multiple submitters, no conflicts (2 of 4 stars). 2 submissions from 2 submitters: Uncertain significance (2). Last evaluated 2024-04-06.

Conditions:
Hereditary cancer-predisposing syndrome. Also called: Neoplastic Syndromes, Hereditary; Tumor predisposition; Hereditary neoplastic syndrome; Hereditary Cancer Syndrome. Identifiers: Orphanet 140162, MedGen C0027672, MeSH D009386, MONDO:0015356.

gnomAD v4.1: 3 of 1,614,094 alleles (0.00019%); highest among the groups gnomAD compares: Non-Finnish European, 0.00017%; no homozygotes.

Submissions (2):

Ambry Genetics
Classification: Uncertain significance for Hereditary cancer-predisposing syndrome. Last evaluated: 2024-04-06. Review status: criteria provided, single submitter. Criteria: Ambry Variant Classification Scheme 2023. Collection method: clinical testing. Allele origin: germline.
Comment: The p.I170V variant (also known as c.508A>G), located in coding exon 6 of the POLE gene, results from an A to G substitution at nucleotide position 508. The isoleucine at codon 170 is replaced by valine, an amino acid with highly similar properties. This amino acid position is conserved. In addition, this alteration is predicted to be tolerated by in silico analysis. Based on the available evidence, the clinical significance of this variant remains unclear.

Labcorp Genetics (formerly Invitae), Labcorp
Classification: Uncertain significance. Last evaluated: 2024-02-05. Review status: criteria provided, single submitter. Criteria: Invitae Variant Classification Sherloc (09022015). Collection method: clinical testing. Allele origin: germline.
Comment: This sequence change replaces isoleucine, which is neutral and non-polar, with valine, which is neutral and non-polar, at codon 170 of the POLE protein (p.Ile170Val). This variant is not present in population databases (gnomAD no frequency). This variant has not been reported in the literature in individuals affected with POLE-related conditions. Advanced modeling of protein sequence and biophysical properties (such as structural, functional, and spatial information, amino acid conservation, physicochemical variation, residue mobility, and thermodynamic stability) performed at Invitae indicates that this missense variant is not expected to disrupt POLE protein function with a negative predictive value of 80%. In summary, the available evidence is currently insufficient to determine the role of this variant in disease. Therefore, it has been classified as a Variant of Uncertain Significance.